The following is an entry in ClinVar:

NM_017649.5(CNNM2):c.818G>T (p.Ser273Ile)

Gene: CNNM2 (cyclin and CBS domain divalent metal cation transport mediator 2; plus strand). Cytogenetic location: 10q24.32.
Variant type: single nucleotide variant.
Coding change: c.818G>T on transcript NM_017649.5 (MANE Select); coding-DNA position 818, G replaced by T.
Protein change: p.Ser273Ile; replaces serine 273 with isoleucine.
Molecular consequence: missense variant.
Genome position (GRCh38, 1-based): chr10:102,919,298, G>T. VCF-style: chr10-102919298-G-T. GRCh37 (hg19) VCF-style: chr10-104679055-G-T.
Other names: c.818G>T, p.Ser273Ile (NM_199076.3, NM_199077.3); short protein forms S273I.
Identifiers: ClinVar variation 2636953 (VCV002636953.1), dbSNP rs2493375237, ClinGen allele CA377957974.
Genomic context (GRCh38, chr10:102,919,298, plus strand): 5'-TGCCCTTCTGGCTGCAGGTGATCTTCATTTCGCTGCTGCTGTGCCTGTCGGGCATGTTCA[G>T]CGGCCTCAACCTGGGGCTCATGGCCCTGGACCCGATGGAGCTGCGCATCGTGCAGAACTG-3'
Protein context (NP_060119.3, residues 263-283): SLLLCLSGMF[Ser273Ile]GLNLGLMALD

ClinVar aggregate classification (germline): Uncertain significance (1 of 4 stars; one submission).

Conditions:
CNNM2-related disorder. Also called: CNNM2-related condition.

Submission:

PreventionGenetics, part of Exact Sciences
Classification: Uncertain significance for CNNM2-related condition. Last evaluated: 2022-10-05. Review status: criteria provided, single submitter. Criteria: ACMG Guidelines, 2015. Collection method: clinical testing. Allele origin: germline.
Comment: The CNNM2 c.818G>T variant is predicted to result in the amino acid substitution p.Ser273Ile. To our knowledge, this variant has not been reported in the literature or in a large population database, indicating this variant is rare. At this time, the clinical significance of this variant is uncertain due to the absence of conclusive functional and genetic evidence.